The following is an entry in ClinVar:

NM_001111125.3(IQSEC2):c.2979T>G (p.His993Gln)

Gene: IQSEC2 (IQ motif and Sec7 domain ArfGEF 2; minus strand). Cytogenetic location: Xp11.22.
Variant type: single nucleotide variant.
Coding change: c.2979T>G on transcript NM_001111125.3 (MANE Select); coding-DNA position 2979, T replaced by G.
Protein change: p.His993Gln; replaces histidine 993 with glutamine.
Molecular consequence: missense variant.
Genome position (GRCh38, 1-based): chrX:53,241,820, A>C on the plus strand (T>G on the coding strand, the complement: IQSEC2 is on the minus strand). VCF-style: chrX-53241820-A-C. GRCh37 (hg19) VCF-style: chrX-53271002-A-C.
Other names: c.2364T>G, p.His788Gln (NM_015075.2); short protein forms H788Q, H993Q.
Identifiers: ClinVar variation 1304810 (VCV001304810.2), dbSNP rs2147049519, ClinGen allele CA413149012.
Genomic context (GRCh38, chrX:53,241,820, plus strand): 5'-TCTCCTCCCCCACAGTGCTCATACCACAAGGAGATCATTGAAGAGGAAGACCTCCCGCTG[A>C]TGCAACCCTAGCCTCTGGGGGCGGTTTGGATCTGGCACCTCGTAGAGCTGGCAGCAGCAA-3'
Protein context (NP_001104595.1, residues 983-1003): DPNRPQRLGL[His993Gln]QREVFLFNDL

ClinVar aggregate classification (germline): Uncertain significance (1 of 4 stars; one submission).

Submission:

GeneDx
Classification: Uncertain significance. Last evaluated: 2019-08-11. Review status: criteria provided, single submitter. Criteria: GeneDx Variant Classification Process June 2021. Collection method: clinical testing. Allele origin: germline. Affected: yes.
Comment: In silico analysis, which includes protein predictors and evolutionary conservation, supports a deleterious effect; Has not been previously published as pathogenic or benign to our knowledge; Not observed in large population cohorts (Lek et al., 2016)